The following is an entry in ClinVar:

ClinVar aggregate classification (germline): Conflicting classifications of pathogenicity. Review status: criteria provided, conflicting classifications (1 of 4 stars). 4 submissions from 4 submitters: Likely pathogenic (1); Uncertain significance (3). Last evaluated 2026-09-01.

Allele frequency attached by ClinVar (database versions not stated): TOPMed 0.00005; gnomAD 0.00007; ESP Exome Variant Server 0.00008; gnomAD exomes 0.00008; ExAC 0.00040.

Submissions (4):

CeGaT Center for Human Genetics Tuebingen
Classification: Likely pathogenic. Last evaluated: 2026-09-01. Review status: criteria provided, single submitter. Criteria: CeGaT Center For Human Genetics Tuebingen Variant Classification Criteria Version 2. Collection method: clinical testing. Allele origin: germline. Affected: yes. Observed: 1 variant allele.
Comment: TTC19: PVS1:Strong, PM2, PM3:Supporting

Labcorp Genetics (formerly Invitae), Labcorp
Classification: Uncertain significance. Last evaluated: 2025-03-17. Review status: criteria provided, single submitter. Criteria: Invitae Variant Classification Sherloc (09022015). Collection method: clinical testing. Allele origin: germline.
Comment: This sequence change creates a premature translational stop signal (p.Gln336*) in the TTC19 gene. While this is not anticipated to result in nonsense mediated decay, it is expected to disrupt the last 45 amino acid(s) of the TTC19 protein. This variant is present in population databases (rs369088691, gnomAD 0.04%). This variant has not been reported in the literature in individuals affected with TTC19-related conditions. ClinVar contains an entry for this variant (Variation ID: 2172473). Algorithms developed to predict the effect of sequence changes on RNA splicing suggest that this variant may disrupt the consensus splice site. In summary, the available evidence is currently insufficient to determine the role of this variant in disease. Therefore, it has been classified as a Variant of Uncertain Significance.

GeneDx
Classification: Uncertain significance. Last evaluated: 2024-12-13. Review status: criteria provided, single submitter. Criteria: GeneDx Variant Classification Process June 2021. Collection method: clinical testing. Allele origin: germline. Affected: yes.
Comment: Nonsense variant predicted to result in protein truncation as the last 45 amino acid(s) are lost; Has not been previously published as pathogenic or benign to our knowledge

Blueprint Genetics
Classification: Uncertain significance. Last evaluated: 2024-06-14. Review status: criteria provided, single submitter. Criteria: ACMG Guidelines, 2015. Collection method: clinical testing. Allele origin: germline.

NM_017775.4(TTC19):c.1006C>T (p.Gln336Ter)

Gene: TTC19 (tetratricopeptide repeat domain 19; plus strand). Cytogenetic location: 17p12.
Variant type: single nucleotide variant.
Coding change: c.1006C>T on transcript NM_017775.4 (MANE Select); coding-DNA position 1006, C replaced by T.
Protein change: p.Gln336Ter; replaces glutamine 336 with a stop codon.
Molecular consequence: nonsense.
Genome position (GRCh38, 1-based): chr17:16,027,385, C>T. VCF-style: chr17-16027385-C-T. GRCh37 (hg19) VCF-style: chr17-15930699-C-T.
Other names: c.685C>T, p.Gln229Ter (NM_001271420.2); c.1006C>T (NM_017775.3); short protein forms Q229*, Q336*.
Identifiers: ClinVar variation 2172473 (VCV002172473.5), dbSNP rs369088691, ClinGen allele CA8407587.
Genomic context (GRCh38, chr17:16,027,385, plus strand): 5'-GAAAACATACACTTTCTTCTTACTGTCCCTTCTCTCTGGGTTATTTTAGAACGATATACA[C>T]AAGCAAAAGAGATCTACCAGGAAGCACTGAAGCAAGCAAAGCTGAAAAAAGATGAAATTT-3'